The following is an entry in ClinVar:

NM_003072.5(SMARCA4):c.4817A>C (p.Gln1606Pro)

Gene: SMARCA4 (SWI/SNF related BAF chromatin remodeling complex subunit ATPase 4; plus strand). Cytogenetic location: 19p13.2.
Variant type: single nucleotide variant.
Coding change: c.4817A>C on transcript NM_003072.5 (MANE Select); coding-DNA position 4817, A replaced by C.
Protein change: p.Gln1606Pro; replaces glutamine 1606 with proline.
Molecular consequence: missense variant. On other transcripts: non-coding transcript variant (1).
Genome position (GRCh38, 1-based): chr19:11,060,093, A>C. VCF-style: chr19-11060093-A-C. GRCh37 (hg19) VCF-style: chr19-11170769-A-C.
Other names: c.4817A>C, p.Gln1606Pro (NM_001128844.3); c.4727A>C, p.Gln1576Pro (NM_001128845.2); c.4724A>C, p.Gln1575Pro (NM_001128846.2); c.4718A>C, p.Gln1573Pro (NM_001128847.4, NM_001374457.1); c.4715A>C, p.Gln1572Pro (NM_001128848.2); c.4913A>C, p.Gln1638Pro (NM_001128849.3, NM_001387283.1); short protein forms Q1575P, Q1606P, Q1573P, Q1576P, Q1572P, Q1638P.
Identifiers: ClinVar variation 1520233 (VCV001520233.8), dbSNP rs878854231, ClinGen allele CA404080505.
Genomic context (GRCh38, chr19:11,060,093, plus strand): 5'-GGTCCCCTCCAGCTCGGTCCGTCAAAGTGAAGATCAAGCTTGGCCGGAAGGAGAAGGCAC[A>C]GGACCGGCTGAAGGGCGGCCGGCGGCGGCCGAGCCGAGGGTCCCGAGCCAAGCCGGTCGT-3'
Protein context (NP_003063.2, residues 1596-1616): KIKLGRKEKA[Gln1606Pro]DRLKGGRRRP

ClinVar aggregate classification (germline): Uncertain significance (1 of 4 stars; one submission).

Conditions:
Rhabdoid tumor predisposition syndrome 2 (RTPS2). Identifiers: Orphanet 231108, Orphanet 69077, MedGen C2750074, MONDO:0013224, OMIM 613325.

Submission:

Labcorp Genetics (formerly Invitae), Labcorp
Classification: Uncertain significance for Rhabdoid tumor predisposition syndrome 2. Last evaluated: 2021-03-26. Review status: criteria provided, single submitter. Criteria: Invitae Variant Classification Sherloc (09022015). Collection method: clinical testing. Allele origin: germline.
Comment: In summary, the available evidence is currently insufficient to determine the role of this variant in disease. Therefore, it has been classified as a Variant of Uncertain Significance. Algorithms developed to predict the effect of missense changes on protein structure and function (SIFT, PolyPhen-2, Align-GVGD) all suggest that this variant is likely to be tolerated, but these predictions have not been confirmed by published functional studies and their clinical significance is uncertain. This variant has not been reported in the literature in individuals with SMARCA4-related conditions. This variant is not present in population databases (ExAC no frequency). This sequence change replaces glutamine with proline at codon 1638 of the SMARCA4 protein (p.Gln1638Pro). The glutamine residue is moderately conserved and there is a moderate physicochemical difference between glutamine and proline.